The following is an entry in ClinVar:

NM_003738.5(PTCH2):c.3373A>G (p.Lys1125Glu)

Gene: PTCH2 (patched 2; minus strand). Cytogenetic location: 1p34.1.
Variant type: single nucleotide variant.
Coding change: c.3373A>G on transcript NM_003738.5 (MANE Select); coding-DNA position 3373, A replaced by G.
Protein change: p.Lys1125Glu; replaces lysine 1125 with glutamic acid.
Molecular consequence: missense variant.
Genome position (GRCh38, 1-based): chr1:44,822,654, T>C on the plus strand (A>G on the coding strand, the complement: PTCH2 is on the minus strand). VCF-style: chr1-44822654-T-C. GRCh37 (hg19) VCF-style: chr1-45288326-T-C.
Other names: c.3373A>G (NM_003738.4); c.3373A>G, p.Lys1125Glu (NM_001166292.2); short protein forms K1125E.
Identifiers: ClinVar variation 2713437 (VCV002713437.4), dbSNP rs1256031023, ClinGen allele CA340105759.
Genomic context (GRCh38, chr1:44,822,654, plus strand): 5'-CCCCCCACCTAAGCCCGCCTCCCTGTGGAGCTGGTGGACTCAGGATCTCTGGGCTTTCCT[T>C]GTACATCTGTATCACCTGTGGGGAGACACCAGCCCCAGTAAGCCCACGGGCCCCTGGGGC-3'
Protein context (NP_003729.3, residues 1115-1135): GPPPEVIQMY[Lys1125Glu]ESPEILSPPA

ClinVar aggregate classification (germline): Uncertain significance. Review status: criteria provided, multiple submitters, no conflicts (2 of 4 stars). 2 submissions from 2 submitters: Uncertain significance (2). Last evaluated 2025-06-11.

Conditions:
Gorlin syndrome. Also called: Nevoid Basal Cell Carcinoma Syndrome; Basal cell nevus syndrome. Identifiers: Orphanet 377, MedGen C0004779, MONDO:0007187.

Allele frequency attached by ClinVar (database versions not stated): gnomAD exomes 0.00001.
gnomAD v4.1: 4 of 1,613,822 alleles (0.00025%); highest among the groups gnomAD compares: Non-Finnish European, 0.00034%; no homozygotes.

Submissions (2):

Ambry Genetics
Classification: Uncertain significance. Last evaluated: 2025-06-11. Review status: criteria provided, single submitter. Criteria: Ambry Variant Classification Scheme 2023. Collection method: clinical testing. Allele origin: germline.

Labcorp Genetics (formerly Invitae), Labcorp
Classification: Uncertain significance for Gorlin syndrome. Last evaluated: 2024-08-19. Review status: criteria provided, single submitter. Criteria: Invitae Variant Classification Sherloc (09022015). Collection method: clinical testing. Allele origin: germline.
Comment: This sequence change replaces lysine, which is basic and polar, with glutamic acid, which is acidic and polar, at codon 1125 of the PTCH2 protein (p.Lys1125Glu). This variant is present in population databases (no rsID available, gnomAD 0.002%). This variant has not been reported in the literature in individuals affected with PTCH2-related conditions. Invitae Evidence Modeling of protein sequence and biophysical properties (such as structural, functional, and spatial information, amino acid conservation, physicochemical variation, residue mobility, and thermodynamic stability) indicates that this missense variant is not expected to disrupt PTCH2 protein function with a negative predictive value of 80%. In summary, the available evidence is currently insufficient to determine the role of this variant in disease. Therefore, it has been classified as a Variant of Uncertain Significance.